The following is an entry in ClinVar:

NM_022552.5(DNMT3A):c.68G>A (p.Arg23Gln)

Gene: DNMT3A (DNA methyltransferase 3 alpha; minus strand). Cytogenetic location: 2p23.3.
Variant type: single nucleotide variant.
Coding change: c.68G>A on transcript NM_022552.5 (MANE Select); coding-DNA position 68, G replaced by A.
Protein change: p.Arg23Gln; replaces arginine 23 with glutamine.
Molecular consequence: missense variant. On other transcripts: non-coding transcript variant (1).
Genome position (GRCh38, 1-based): chr2:25,313,917, C>T on the plus strand (G>A on the coding strand, the complement: DNMT3A is on the minus strand). VCF-style: chr2-25313917-C-T. GRCh37 (hg19) VCF-style: chr2-25536786-C-T.
Other names: c.68G>A, p.Arg23Gln (NM_001320892.2, NM_175629.2, NM_175630.1); short protein forms R23Q.
Identifiers: ClinVar variation 1979981 (VCV001979981.4), dbSNP rs1174462913, ClinGen allele CA346254286.

ClinVar aggregate classification (germline): Uncertain significance. Review status: criteria provided, multiple submitters, no conflicts (2 of 4 stars). 2 submissions from 2 submitters: Uncertain significance (2). Last evaluated 2023-05-08.

Conditions:
Acute myeloid leukemia (AML). Also called: Acute myeloid leukemia, adult; AML adult; Acute non-lymphocytic leukemia; Acute granulocytic leukemia; Leukemia, acute myeloid, somatic; Leukemia, acute myelogenous, somatic. Identifiers: Orphanet 519, MedGen C0023467, MeSH D015470, MONDO:0018874, OMIM 601626, HP:0004808. Disease mechanism: Constitutively activated FLT3.
Tatton-Brown-Rahman overgrowth syndrome. Also called: Tall stature-intellectual disability-facial dysmorphism syndrome; Tatton-Brown-Rahman syndrome. Identifiers: Orphanet 404443, MedGen C4014545, MONDO:0014382, OMIM 615879.

gnomAD v4.1: 7 of 1,549,500 alleles (0.00045%); highest among the groups gnomAD compares: Non-Finnish European, 0.00061%; no homozygotes.

Submissions (2):

Labcorp Genetics (formerly Invitae), Labcorp
Classification: Uncertain significance for Tatton-Brown-Rahman overgrowth syndrome. Last evaluated: 2023-05-08. Review status: criteria provided, single submitter. Criteria: Invitae Variant Classification Sherloc (09022015). Collection method: clinical testing. Allele origin: germline.
Comment: In summary, the available evidence is currently insufficient to determine the role of this variant in disease. Therefore, it has been classified as a Variant of Uncertain Significance. An algorithm developed to predict the effect of missense changes on protein structure and function (PolyPhen-2) suggests that this variant is likely to be tolerated. ClinVar contains an entry for this variant (Variation ID: 1979981). This variant has not been reported in the literature in individuals affected with DNMT3A-related conditions. This sequence change replaces arginine, which is basic and polar, with glutamine, which is neutral and polar, at codon 23 of the DNMT3A protein (p.Arg23Gln). This variant is not present in population databases (gnomAD no frequency).

Neuberg Centre For Genomic Medicine, NCGM
Classification: Uncertain significance for Acute myeloid leukemia. Review status: criteria provided, single submitter. Criteria: ACMG Guidelines, 2015. Collection method: clinical testing. Allele origin: germline. Inheritance: Autosomal dominant inheritance. Affected: yes.